The following is an entry in ClinVar:

NM_032444.4(SLX4):c.1062G>T (p.Lys354Asn)

Gene: SLX4 (SLX4 structure-specific endonuclease subunit; minus strand). Cytogenetic location: 16p13.3.
Variant type: single nucleotide variant.
Coding change: c.1062G>T on transcript NM_032444.4 (MANE Select); coding-DNA position 1062, G replaced by T.
Protein change: p.Lys354Asn; replaces lysine 354 with asparagine.
Molecular consequence: missense variant.
Genome position (GRCh38, 1-based): chr16:3,601,080, C>A on the plus strand (G>T on the coding strand, the complement: SLX4 is on the minus strand). VCF-style: chr16-3601080-C-A. GRCh37 (hg19) VCF-style: chr16-3651081-C-A.
Other names: short protein forms K354N.
Identifiers: ClinVar variation 1476510 (VCV001476510.8), dbSNP rs2151134083, ClinGen allele CA394531648.

ClinVar aggregate classification (germline): Uncertain significance (1 of 4 stars; one submission).

Conditions:
Fanconi anemia (FA). Also called: Fanconi's anemia. Identifiers: Orphanet 84, MedGen C0015625, MeSH D005199, MONDO:0019391.

Submission:

Labcorp Genetics (formerly Invitae), Labcorp
Classification: Uncertain significance for Fanconi anemia. Last evaluated: 2021-04-05. Review status: criteria provided, single submitter. Criteria: Invitae Variant Classification Sherloc (09022015). Collection method: clinical testing. Allele origin: germline.
Comment: In summary, the available evidence is currently insufficient to determine the role of this variant in disease. Therefore, it has been classified as a Variant of Uncertain Significance. Algorithms developed to predict the effect of missense changes on protein structure and function are either unavailable or do not agree on the potential impact of this missense change (SIFT: "Deleterious"; PolyPhen-2: "Probably Damaging"; Align-GVGD: "Class C0"). This variant has not been reported in the literature in individuals with SLX4-related conditions. This variant is not present in population databases (ExAC no frequency). This sequence change replaces lysine with asparagine at codon 354 of the SLX4 protein (p.Lys354Asn). The lysine residue is moderately conserved and there is a moderate physicochemical difference between lysine and asparagine.